The following is an entry in ClinVar:

ClinVar aggregate classification (germline): Benign. Review status: criteria provided, multiple submitters, no conflicts (2 of 4 stars). 4 submissions from 4 submitters: Benign (4). Last evaluated 2023-04-11.

Conditions:
Maple syrup urine disease (MSUD). Identifiers: Orphanet 511, MedGen C0024776, MeSH D008375, MONDO:0009563. Disease mechanism: loss of function.

Allele frequency attached by ClinVar (database versions not stated): gnomAD exomes 0.02336; 1000 Genomes Project 0.03355; 1000 Genomes Project 30x 0.03435; gnomAD 0.04334 and 0.04442; TOPMed 0.04604.
gnomAD v4.1: 6,661 of 152,574 alleles (4.4%); highest among the groups gnomAD compares: African/African-American, 5.8%; 164 homozygotes.

Submissions (4):

Genome-Nilou Lab
Classification: Benign for Maple syrup urine disease type 1A. Last evaluated: 2023-04-11. Review status: criteria provided, single submitter. Criteria: ACMG Guidelines, 2015. Collection method: clinical testing. Allele origin: germline. Affected: no.

GeneDx
Classification: Benign. Last evaluated: 2019-07-02. Review status: criteria provided, single submitter. Criteria: GeneDx Variant Classification Process June 2021. Collection method: clinical testing. Allele origin: germline. Affected: yes.

Illumina Laboratory Services, Illumina
Classification: Benign for Maple syrup urine disease type 1A. Last evaluated: 2018-01-13. Review status: criteria provided, single submitter. Criteria: ICSL Variant Classification Criteria 13 December 2019. Collection method: clinical testing. Allele origin: germline.
Comment: This variant was observed in the ICSL laboratory as part of a predisposition screen in an ostensibly healthy population. It had not been previously curated by ICSL or reported in the Human Gene Mutation Database (HGMD: prior to June 1st, 2018), and was therefore a candidate for classification through an automated scoring system. Utilizing variant allele frequency, disease prevalence and penetrance estimates, and inheritance mode, an automated score was calculated to assess if this variant is too frequent to cause the disease. Based on the score and internal cut-off values, a variant classified as benign is not then subjected to further curation. The score for this variant resulted in a classification of benign for this disease.

Breakthrough Genomics
Classification: Benign. Review status: criteria provided, single submitter. Criteria: ACMG Guidelines, 2015. Collection method: not provided. Allele origin: germline. Inheritance: Autosomal recessive inheritance. Affected: yes.

NM_001918.5(DBT):c.*985C>T

Gene: DBT (dihydrolipoamide branched chain transacylase E2; minus strand). Cytogenetic location: 1p21.2.
Variant type: single nucleotide variant.
Coding change: c.*985C>T on transcript NM_001918.5 (MANE Select); 985 bases downstream of the stop codon, C replaced by T.
Molecular consequence: 3 prime UTR variant.
Genome position (GRCh38, 1-based): chr1:100,195,270, G>A on the plus strand (C>T on the coding strand, the complement: DBT is on the minus strand). VCF-style: chr1-100195270-G-A. GRCh37 (hg19) VCF-style: chr1-100660826-G-A.
Identifiers: ClinVar variation 291441 (VCV000291441.9), dbSNP rs11166414, ClinGen allele CA10607182.